The following is an entry in ClinVar:

ClinVar aggregate classification (germline): Pathogenic/Likely pathogenic. Review status: criteria provided, multiple submitters, no conflicts (2 of 4 stars). 2 submissions from 2 submitters: Pathogenic (1); Likely pathogenic (1). Last evaluated 2022-03-26.

Conditions:
Spermatogenic failure 18. Identifiers: MedGen C4539783, MONDO:0054615, OMIM 617576.
Ciliary dyskinesia, primary, 37 (CILD37). Also called: CILIARY DYSKINESIA, PRIMARY, 37, WITH OR WITHOUT SITUS INVERSUS. Identifiers: MedGen C4539798, MONDO:0033204, OMIM 617577.

Allele frequency attached by ClinVar (database versions not stated): ExAC 0.00002; gnomAD exomes 0.00002.
gnomAD v4.1: 41 of 1,613,850 alleles (0.0025%); highest among the groups gnomAD compares: Middle Eastern, 0.016%; no homozygotes.

Submissions (2):

Fulgent Genetics
Classification: Likely pathogenic for Spermatogenic failure 18; Ciliary dyskinesia, primary, 37. Last evaluated: 2022-03-26. Review status: criteria provided, single submitter. Criteria: ACMG Guidelines, 2015. Collection method: clinical testing. Allele origin: unknown.

Labcorp Genetics (formerly Invitae), Labcorp
Classification: Pathogenic for Ciliary dyskinesia, primary, 37; Spermatogenic failure 18. Last evaluated: 2021-10-28. Review status: criteria provided, single submitter. Criteria: Invitae Variant Classification Sherloc (09022015). Collection method: clinical testing. Allele origin: germline.
Comment: For these reasons, this variant has been classified as Pathogenic. Algorithms developed to predict the effect of sequence changes on RNA splicing suggest that this variant may create or strengthen a splice site. This variant has not been reported in the literature in individuals affected with DNAH1-related conditions. This variant is present in population databases (rs368033879, gnomAD 0.008%). This sequence change creates a premature translational stop signal (p.Arg2622*) in the DNAH1 gene. It is expected to result in an absent or disrupted protein product. Loss-of-function variants in DNAH1 are known to be pathogenic (PMID: 27573432, 27798045).

Literature cited by the submitters: PubMed 27573432 (cited by Labcorp Genetics (formerly Invitae), Labcorp); PubMed 27798045 (cited by Labcorp Genetics (formerly Invitae), Labcorp).

NM_015512.5(DNAH1):c.7864C>T (p.Arg2622Ter)

Gene: DNAH1 (dynein axonemal heavy chain 1; plus strand). Cytogenetic location: 3p21.1.
Variant type: single nucleotide variant.
Coding change: c.7864C>T on transcript NM_015512.5 (MANE Select); coding-DNA position 7864, C replaced by T.
Protein change: p.Arg2622Ter; replaces arginine 2622 with a stop codon.
Molecular consequence: nonsense.
Genome position (GRCh38, 1-based): chr3:52,382,378, C>T. VCF-style: chr3-52382378-C-T. GRCh37 (hg19) VCF-style: chr3-52416394-C-T.
Other names: short protein forms R2622*.
Identifiers: ClinVar variation 1401790 (VCV001401790.7), dbSNP rs368033879, ClinGen allele CA2435009.